The following is an entry in ClinVar:

ClinVar aggregate classification (germline): Uncertain significance. Review status: criteria provided, multiple submitters, no conflicts (2 of 4 stars). 3 submissions from 3 submitters: Uncertain significance (3). Last evaluated 2023-08-20.

Conditions:
Hereditary cancer-predisposing syndrome. Also called: Hereditary Cancer Syndrome; Neoplastic Syndromes, Hereditary; Tumor predisposition; Hereditary neoplastic syndrome. Identifiers: Orphanet 140162, MedGen C0027672, MeSH D009386, MONDO:0015356.
Neurofibromatosis, type 1 (NF1). Also called: NEUROFIBROMATOSIS, TYPE I, SOMATIC; VON RECKLINGHAUSEN DISEASE; Peripheral type neurofibromatosis; Neurofibromatosis, type I. Identifiers: Orphanet 636, MedGen C0027831, MONDO:0018975, OMIM 162200. Disease mechanism: loss of function.
Juvenile myelomonocytic leukemia (JMML). Also called: LEUKEMIA, JUVENILE MYELOMONOCYTIC, SOMATIC. Identifiers: Orphanet 86834, MedGen C0349639, MONDO:0011908, OMIM 607785, HP:0012209.

Submissions (3):

Baylor Genetics
Classification: Uncertain significance for Juvenile myelomonocytic leukemia. Last evaluated: 2023-08-20. Review status: criteria provided, single submitter. Criteria: ACMG Guidelines, 2015. Collection method: clinical testing. Allele origin: unknown.

Labcorp Genetics (formerly Invitae), Labcorp
Classification: Uncertain significance for Neurofibromatosis, type 1. Last evaluated: 2022-04-09. Review status: criteria provided, single submitter. Criteria: Invitae Variant Classification Sherloc (09022015). Collection method: clinical testing. Allele origin: germline.
Comment: In summary, the available evidence is currently insufficient to determine the role of this variant in disease. Therefore, it has been classified as a Variant of Uncertain Significance. This sequence change replaces lysine, which is basic and polar, with glutamine, which is neutral and polar, at codon 297 of the NF1 protein (p.Lys297Gln). This variant is not present in population databases (gnomAD no frequency). This variant has not been reported in the literature in individuals affected with NF1-related conditions. ClinVar contains an entry for this variant (Variation ID: 185696). Algorithms developed to predict the effect of missense changes on protein structure and function are either unavailable or do not agree on the potential impact of this missense change (SIFT: "Tolerated"; PolyPhen-2: "Probably Damaging"; Align-GVGD: "Class C0"). Algorithms developed to predict the effect of sequence changes on RNA splicing suggest that this variant may create or strengthen a splice site.

Ambry Genetics
Classification: Uncertain significance for Hereditary cancer-predisposing syndrome. Last evaluated: 2014-07-07. Review status: criteria provided, single submitter. Criteria: Ambry Autosomal Dominant and X-Linked criteria (10/2015). Collection method: clinical testing. Allele origin: germline. Observed: 1 variant allele.
Comment: Thep.K297Qvariant (also known as c.889A>C) located in codingexon9 of the NF1 gene. The lysine atcodon297 is replaced by glutamine, an amino acid with similar properties. This change occurs in the first base pair ofexon9 which makes it likely to have some effect on normalmRNAsplicing. This variant was not reported in population based cohorts in the following databases: Database of Single NucleotidePolymorphisms(dbSNP),NHLBIExomeSequencing Project (ESP), and 1000 Genomes Project. In the ESP, this variant was not observed in 6503 samples (13006 alleles) with coverage at this position. To date, this alteration has been detected with an allele frequency of approximately 0.003% (greater than 11000 alleles tested) in our clinical cohort. This amino acid position is highly conserved in available vertebrate species. Using theBDGPandESEfindersplice site prediction tools, this alteration is predicted to weaken the efficiency of the native acceptor splice site; however, direct evidence is unavailable. In addition, this alteration is predicted to be benign and tolerated byPolyPhenand SIFTinsilicoanalyses, respectively. Since supporting evidence is limited at this time, the clinical significance of p.K297Q remains unclear.

NM_001042492.3(NF1):c.889A>C (p.Lys297Gln)

Gene: NF1 (neurofibromin 1; plus strand). Cytogenetic location: 17q11.2.
Variant type: single nucleotide variant.
Coding change: c.889A>C on transcript NM_001042492.3 (MANE Select); coding-DNA position 889, A replaced by C.
Protein change: p.Lys297Gln; replaces lysine 297 with glutamine.
Molecular consequence: missense variant.
Genome position (GRCh38, 1-based): chr17:31,200,422, A>C. VCF-style: chr17-31200422-A-C. GRCh37 (hg19) VCF-style: chr17-29527440-A-C.
Other names: c.889A>C, p.Lys297Gln (NM_000267.4, NM_001128147.3); short protein forms K297Q.
Identifiers: ClinVar variation 185696 (VCV000185696.9), dbSNP rs786202384, ClinGen allele CA192655.